The following is an entry in ClinVar:

ClinVar aggregate classification (germline): Uncertain significance. Review status: criteria provided, multiple submitters, no conflicts (2 of 4 stars). 5 submissions from 4 submitters: Uncertain significance (4). 1 of the submissions does not count toward it. Last evaluated 2025-09-02.

Conditions:
Adams-Oliver syndrome 5 (AOS5). Identifiers: Orphanet 974, MedGen C4014970, MONDO:0014459, OMIM 616028.
Aortic valve disease 1 (AOVD1). Identifiers: MedGen C3887892, MONDO:0024523, OMIM 109730.

Allele frequency attached by ClinVar (database versions not stated): gnomAD exomes below 0.00001 and 0.00001; gnomAD 0.00001 and 0.00002; TOPMed 0.00001.
gnomAD v4.1: 18 of 1,613,138 alleles (0.0011%); highest among the groups gnomAD compares: South Asian, 0.0033%; no homozygotes.

Submissions (5):

GeneDx
Classification: Uncertain significance. Last evaluated: 2025-09-02. Review status: criteria provided, single submitter. Criteria: GeneDx Variant Classification Process June 2021. Collection method: clinical testing. Allele origin: germline. Affected: yes.
Comment: Has not been previously published as pathogenic or benign to our knowledge; Not observed at significant frequency in large population cohorts (gnomAD); In silico analysis supports that this missense variant has a deleterious effect on protein structure/function

Labcorp Genetics (formerly Invitae), Labcorp
Classification: Uncertain significance for Adams-Oliver syndrome 5. Last evaluated: 2024-12-14. Review status: criteria provided, single submitter. Criteria: Invitae Variant Classification Sherloc (09022015). Collection method: clinical testing. Allele origin: germline.
Comment: This sequence change replaces glycine, which is neutral and non-polar, with serine, which is neutral and polar, at codon 1071 of the NOTCH1 protein (p.Gly1071Ser). This variant is present in population databases (rs587778566, gnomAD 0.0009%). This variant has not been reported in the literature in individuals affected with NOTCH1-related conditions. ClinVar contains an entry for this variant (Variation ID: 134925). Invitae Evidence Modeling of protein sequence and biophysical properties (such as structural, functional, and spatial information, amino acid conservation, physicochemical variation, residue mobility, and thermodynamic stability) indicates that this missense variant is not expected to disrupt NOTCH1 protein function with a negative predictive value of 80%. In summary, the available evidence is currently insufficient to determine the role of this variant in disease. Therefore, it has been classified as a Variant of Uncertain Significance.

Genome-Nilou Lab
Classification: Uncertain significance for Adams-Oliver syndrome 5. Last evaluated: 2022-03-15. Review status: criteria provided, single submitter. Criteria: ACMG Guidelines, 2015. Collection method: clinical testing. Allele origin: germline. Affected: no.

Genome-Nilou Lab
Classification: Uncertain significance for Aortic valve disease 1. Last evaluated: 2022-03-15. Review status: criteria provided, single submitter. Criteria: ACMG Guidelines, 2015. Collection method: clinical testing. Allele origin: germline. Affected: no.

ITMI
No classification provided. Condition: AllHighlyPenetrant. Last evaluated: 2013-09-19. Review status: no classification provided. Collection method: reference population. Allele origin: germline. Not counted in ClinVar's aggregate classification.
Comment: Please see associated publication for description of ethnicities

Literature cited by the submitters: PubMed 24728327 (cited by ITMI).

NM_017617.5(NOTCH1):c.3211G>A (p.Gly1071Ser)

Gene: NOTCH1 (notch receptor 1; minus strand). Cytogenetic location: 9q34.3.
Variant type: single nucleotide variant.
Coding change: c.3211G>A on transcript NM_017617.5 (MANE Select); coding-DNA position 3211, G replaced by A.
Protein change: p.Gly1071Ser; replaces glycine 1071 with serine.
Molecular consequence: missense variant.
Genome position (GRCh38, 1-based): chr9:136,508,346, C>T on the plus strand (G>A on the coding strand, the complement: NOTCH1 is on the minus strand). VCF-style: chr9-136508346-C-T. GRCh37 (hg19) VCF-style: chr9-139402798-C-T.
Other names: c.3211G>A, p.Gly1071Ser (LRG_1122t1); short protein forms G1071S.
Identifiers: ClinVar variation 134925 (VCV000134925.12), dbSNP rs587778566, ClinGen allele CA161177.
Genomic context (GRCh38, chr9:136,508,346, plus strand): 5'-CGGTCCAGCCGCTGGGGCACTCGCAGCGGTACTGGGTGTGGGTCTGCCAGCATTTGCCGC[C>T]GTTCTTGCAGGGCGAGGAGTCACACCAGTGCACAAGGTTCTGGGGACAGATTGGGGTCAG-3'
Protein context (NP_060087.3, residues 1061-1081): HWCDSSPCKN[Gly1071Ser]GKCWQTHTQY